The following is an entry in ClinVar:

ClinVar aggregate classification (germline): Uncertain significance. Review status: criteria provided, single submitter (1 of 4 stars). 2 submissions from 2 submitters: Uncertain significance (1). 1 of the submissions does not count toward it. Last evaluated 2022-10-05.

Conditions:
Bardet-Biedl syndrome (BBS). Identifiers: Orphanet 110, MedGen C0752166, MONDO:0015229.
BBS7-related disorder. Also called: BBS7-related condition.

gnomAD v4.1: 63 of 1,613,724 alleles (0.0039%); highest among the groups gnomAD compares: Middle Eastern, 0.016%; no homozygotes.

Submissions (2):

Labcorp Genetics (formerly Invitae), Labcorp
Classification: Uncertain significance for Bardet-Biedl syndrome. Last evaluated: 2022-10-05. Review status: criteria provided, single submitter. Criteria: Invitae Variant Classification Sherloc (09022015). Collection method: clinical testing. Allele origin: germline.
Comment: This sequence change replaces arginine, which is basic and polar, with histidine, which is basic and polar, at codon 484 of the BBS7 protein (p.Arg484His). This variant is present in population databases (rs200720761, gnomAD 0.006%). This variant has not been reported in the literature in individuals affected with BBS7-related conditions. ClinVar contains an entry for this variant (Variation ID: 1442870). Advanced modeling of protein sequence and biophysical properties (such as structural, functional, and spatial information, amino acid conservation, physicochemical variation, residue mobility, and thermodynamic stability) performed at Invitae indicates that this missense variant is not expected to disrupt BBS7 protein function. In summary, the available evidence is currently insufficient to determine the role of this variant in disease. Therefore, it has been classified as a Variant of Uncertain Significance.

PreventionGenetics, part of Exact Sciences
Classification: Uncertain significance for BBS7-related condition. Last evaluated: 2024-02-22. Review status: no assertion criteria provided. Collection method: clinical testing. Allele origin: germline. Not counted in ClinVar's aggregate classification.
Comment: The BBS7 c.1451G>A variant is predicted to result in the amino acid substitution p.Arg484His. To our knowledge, this variant has not been reported in the literature. This variant is reported in 0.0065% of alleles in individuals of South Asian descent in gnomAD. At this time, the clinical significance of this variant is uncertain due to the absence of conclusive functional and genetic evidence.

NM_176824.3(BBS7):c.1451G>A (p.Arg484His)

Gene: BBS7 (Bardet-Biedl syndrome 7; minus strand). Cytogenetic location: 4q27.
Variant type: single nucleotide variant.
Coding change: c.1451G>A on transcript NM_176824.3 (MANE Select); coding-DNA position 1451, G replaced by A.
Protein change: p.Arg484His; replaces arginine 484 with histidine.
Molecular consequence: missense variant.
Genome position (GRCh38, 1-based): chr4:121,835,204, C>T on the plus strand (G>A on the coding strand, the complement: BBS7 is on the minus strand). VCF-style: chr4-121835204-C-T. GRCh37 (hg19) VCF-style: chr4-122756359-C-T.
Other names: c.1451G>A, p.Arg484His (NM_018190.4); c.1451G>A (NM_176824.2); short protein forms R484H.
Identifiers: ClinVar variation 1442870 (VCV001442870.5), dbSNP rs200720761, ClinGen allele CA3064221.